The following is an entry in ClinVar:

NM_000156.6(GAMT):c.570+153C>A

Gene: GAMT (guanidinoacetate N-methyltransferase; minus strand). Cytogenetic location: 19p13.3.
Variant type: single nucleotide variant.
Coding change: c.570+153C>A on transcript NM_000156.6 (MANE Select); 153 bases into the intron after coding-DNA position 570, C replaced by A.
Molecular consequence: intron variant. On other transcripts: synonymous variant (1).
Genome position (GRCh38, 1-based): chr19:1,398,763, G>T on the plus strand (C>A on the coding strand, the complement: GAMT is on the minus strand). VCF-style: chr19-1398763-G-T. GRCh37 (hg19) VCF-style: chr19-1398762-G-T.
Other names: c.723C>A, p.Val241= (NM_138924.3).
Identifiers: ClinVar variation 3905380 (VCV003905380.10).

ClinVar aggregate classification (germline): Likely benign (1 of 4 stars; one submission).

Submission:

CeGaT Center for Human Genetics Tuebingen
Classification: Likely benign. Last evaluated: 2025-06-01. Review status: criteria provided, single submitter. Criteria: CeGaT Center For Human Genetics Tuebingen Variant Classification Criteria Version 2. Collection method: clinical testing. Allele origin: germline. Affected: yes. Observed: 1 variant allele.
Comment: GAMT: BP4, BP7